The following is an entry in ClinVar:

ClinVar aggregate classification (germline): Benign/Likely benign. Review status: criteria provided, multiple submitters, no conflicts (2 of 4 stars). 5 submissions from 5 submitters: Benign (2); Likely benign (3). Last evaluated 2026-07-01.

Allele frequency attached by ClinVar (database versions not stated): TOPMed 0.00013; gnomAD 0.00016 and 0.00019; 1000 Genomes Project 0.00040; 1000 Genomes Project 30x 0.00047; ExAC 0.00211.
gnomAD v4.1: 498 of 1,538,410 alleles (0.032%); highest among the groups gnomAD compares: Middle Eastern, 0.62%; 5 homozygotes.

Submissions (5):

CeGaT Center for Human Genetics Tuebingen
Classification: Likely benign. Last evaluated: 2026-07-01. Review status: criteria provided, single submitter. Criteria: CeGaT Center For Human Genetics Tuebingen Variant Classification Criteria Version 2. Collection method: clinical testing. Allele origin: germline. Affected: yes. Observed: 2 variant alleles.
Comment: PIEZO1: BP4, BP7

Labcorp Genetics (formerly Invitae), Labcorp
Classification: Benign. Last evaluated: 2026-01-16. Review status: criteria provided, single submitter. Criteria: Invitae Variant Classification Sherloc (09022015). Collection method: clinical testing. Allele origin: germline.

Mayo Clinic Laboratories, Mayo Clinic
Classification: Likely benign. Last evaluated: 2025-03-31. Review status: criteria provided, single submitter. Criteria: ACMG Guidelines, 2015. Collection method: clinical testing. Allele origin: germline. Observed: 4 variant alleles.
Comment: BP4, BP7

Blueprint Genetics
Classification: Likely benign. Last evaluated: 2024-11-26. Review status: criteria provided, single submitter. Criteria: ACMG Guidelines, 2015. Collection method: clinical testing. Allele origin: germline.

Breakthrough Genomics
Classification: Benign. Review status: criteria provided, single submitter. Criteria: ACMG Guidelines, 2015. Collection method: not provided. Allele origin: germline. Inheritance: Autosomal recessive inheritance. Affected: yes.

NM_001142864.4(PIEZO1):c.4737C>A (p.Gly1579=)

Gene: PIEZO1 (piezo type mechanosensitive ion channel component 1 (Er blood group); minus strand). Cytogenetic location: 16q24.3.
Variant type: single nucleotide variant.
Coding change: c.4737C>A on transcript NM_001142864.4 (MANE Select); coding-DNA position 4737, C replaced by A.
Protein change: p.Gly1579=; no amino-acid change (glycine 1579 retained).
Molecular consequence: synonymous variant.
Genome position (GRCh38, 1-based): chr16:88,722,621, G>T on the plus strand (C>A on the coding strand, the complement: PIEZO1 is on the minus strand). VCF-style: chr16-88722621-G-T. GRCh37 (hg19) VCF-style: chr16-88789029-G-T.
Other names: p.Gly1579=.
Identifiers: ClinVar variation 721769 (VCV000721769.31), dbSNP rs560777575, ClinGen allele CA8232060.